The following is an entry in ClinVar:

NM_005751.5(AKAP9):c.1809AGAAAA[1] (p.604EK[1])

Gene: AKAP9 (A-kinase anchoring protein 9; plus strand). Cytogenetic location: 7q21.2.
Variant type: Microsatellite.
Coding change: c.1809AGAAAA[1] on transcript NM_005751.5 (MANE Select); one copy of the 6-base unit AGAAAA starting at c.1809; the reference has two copies in a row; one copy, 6 bases deleted.
Protein change: p.604EK[1].
Molecular consequence: inframe deletion.
Genome position (GRCh38, 1-based): chr7:92,001,732-92,001,737, AGAAAA deleted; deleting any 6 consecutive bases within chr7:92,001,726-92,001,737 gives the same sequence; the position shown is the placement nearest the transcript's 3' end. VCF-style (leftmost placement, unchanged base first): chr7-92001725-TAGAAAA-T. GRCh37 (hg19) VCF-style: chr7-91631039-TAGAAAA-T.
Other names: c.1815_1820delAGAAAA (NM_005751.4); c.1809AGAAAA[1], p.604EK[1] (NM_147185.3).
Identifiers: ClinVar variation 526970 (VCV000526970.9), dbSNP rs1455029822, ClinGen allele CA576705339.

ClinVar aggregate classification (germline): Uncertain significance. Review status: criteria provided, multiple submitters, no conflicts (2 of 4 stars). 2 submissions from 2 submitters: Uncertain significance (2). Last evaluated 2025-05-07.

Conditions:
Long QT syndrome (LQTS). Identifiers: MedGen C0023976, MeSH D008133, MONDO:0002442. Disease mechanism: loss of function. Inheritance: Various modes of inheritance.
Cardiovascular phenotype. Identifiers: MedGen CN230736.

Submissions (2):

Ambry Genetics
Classification: Uncertain significance for Cardiovascular phenotype. Last evaluated: 2025-05-07. Review status: criteria provided, single submitter. Criteria: Ambry Variant Classification Scheme 2023. Collection method: clinical testing. Allele origin: germline.
Comment: The c.1815_1820delAGAAAA variant (also known as p.E606_K607del), located in coding exon 8 of the AKAP9 gene, results from an in-frame AGAAAA deletion at nucleotide positions 1815 to 1820. This results in the in-frame deletion of two amino acids (EK) at codons 606 and 607. These amino acid positions are highly conserved in available vertebrate species. In addition, this alteration is predicted to be deleterious by in silico analysis (Choi Y et al. PLoS ONE. 2012; 7(10):e46688). The evidence for this gene-disease relationship is limited; therefore, the clinical significance of this alteration is unclear.

Labcorp Genetics (formerly Invitae), Labcorp
Classification: Uncertain significance for Long QT syndrome. Last evaluated: 2022-11-29. Review status: criteria provided, single submitter. Criteria: Invitae Variant Classification Sherloc (09022015). Collection method: clinical testing. Allele origin: germline.
Comment: ClinVar contains an entry for this variant (Variation ID: 526970). This variant has not been reported in the literature in individuals affected with AKAP9-related conditions. This variant is present in population databases (no rsID available, gnomAD 0.006%). Experimental studies and prediction algorithms are not available or were not evaluated, and the functional significance of this variant is currently unknown. This variant, c.1815_1820del, results in the deletion of 2 amino acid(s) of the AKAP9 protein (p.Glu606_Lys607del), but otherwise preserves the integrity of the reading frame. In summary, the available evidence is currently insufficient to determine the role of this variant in disease. Therefore, it has been classified as a Variant of Uncertain Significance.